The following is an entry in ClinVar:

ClinVar aggregate classification (germline): Conflicting classifications of pathogenicity. Review status: criteria provided, conflicting classifications (1 of 4 stars). 2 submissions from 2 submitters: Uncertain significance (1); Likely benign (1). Last evaluated 2023-08-17.

Conditions:
Developmental and epileptic encephalopathy, 31A. Also called: Epileptic encephalopathy, early infantile, 31; Developmental and epileptic encephalopathy, 31. Identifiers: Orphanet 2382, MedGen C4225357, MONDO:0014598, OMIM 616346.

Allele frequency attached by ClinVar (database versions not stated): gnomAD 0.00003; gnomAD exomes below 0.00001; TOPMed 0.00002.
gnomAD v4.1: 8 of 1,576,146 alleles (0.00051%); highest among the groups gnomAD compares: African/African-American, 0.0068%; no homozygotes.

Submissions (2):

Labcorp Genetics (formerly Invitae), Labcorp
Classification: Likely benign for Developmental and epileptic encephalopathy, 31A. Last evaluated: 2023-08-17. Review status: criteria provided, single submitter. Criteria: Invitae Variant Classification Sherloc (09022015). Collection method: clinical testing. Allele origin: germline.

GeneDx
Classification: Uncertain significance. Last evaluated: 2017-07-27. Review status: criteria provided, single submitter. Criteria: GeneDx Variant Classification (06012015). Collection method: clinical testing. Allele origin: germline. Affected: yes.
Comment: A variant of uncertain significance has been identified in the DNM1 gene. The I464V variant has not been published as a pathogenic variant, nor has it been reported as a benign variant to our knowledge. The I464V variant is not observed in large population cohorts (Lek et al., 2016; 1000 Genomes Consortium et al., 2015; Exome Variant Server). The I464V variant is a conservative amino acid substitution, which is not likely to impact secondary protein structure as these residues share similar properties. This substitution occurs at a position that is conserved across species. In silico analysis is inconsistent in its predictions as to whether or not the variant is damaging to the protein structure/function. Therefore, based on the currently available information, it is unclear whether this variant is a pathogenic variant or a rare benign variant.

NM_004408.4(DNM1):c.1390A>G (p.Ile464Val)

Gene: DNM1 (dynamin 1; plus strand). Cytogenetic location: 9q34.11.
Variant type: single nucleotide variant.
Coding change: c.1390A>G on transcript NM_004408.4 (MANE Select); coding-DNA position 1390, A replaced by G.
Protein change: p.Ile464Val; replaces isoleucine 464 with valine.
Molecular consequence: missense variant.
Genome position (GRCh38, 1-based): chr9:128,234,075, A>G. VCF-style: chr9-128234075-A-G. GRCh37 (hg19) VCF-style: chr9-130996354-A-G.
Other names: c.1390A>G, p.Ile464Val (NM_001005336.3, NM_001288737.2, NM_001288738.2 and 1 more transcripts); short protein forms I464V.
Identifiers: ClinVar variation 450933 (VCV000450933.11), dbSNP rs992608425, ClinGen allele CA200357676.